The following is an entry in ClinVar:

NM_032578.4(MYPN):c.1229T>C (p.Val410Ala)

Gene: MYPN (myopalladin; plus strand). Cytogenetic location: 10q21.3.
Variant type: single nucleotide variant.
Coding change: c.1229T>C on transcript NM_032578.4 (MANE Select); coding-DNA position 1229, T replaced by C.
Protein change: p.Val410Ala; replaces valine 410 with alanine.
Molecular consequence: missense variant. On other transcripts: non-coding transcript variant (2).
Genome position (GRCh38, 1-based): chr10:68,148,451, T>C. VCF-style: chr10-68148451-T-C. GRCh37 (hg19) VCF-style: chr10-69908208-T-C.
Other names: c.1229T>C (LRG_410t1); c.1229T>C, p.Val410Ala (NM_001256267.2); c.347T>C, p.Val116Ala (NM_001256268.2); short protein forms V410A, V116A.
Identifiers: ClinVar variation 31815 (VCV000031815.13), dbSNP rs199476406, ClinGen allele CA215329.

ClinVar aggregate classification (germline): Likely benign. Review status: criteria provided, multiple submitters, no conflicts (2 of 4 stars). 5 submissions from 5 submitters: Likely benign (3). 2 of the submissions do not count toward it. Last evaluated 2026-03-03.

Conditions:
MYPN-related disorder. Also called: MYPN-related condition.
Cardiovascular phenotype. Identifiers: MedGen CN230736.
Dilated cardiomyopathy 1KK (CMD1KK). Identifiers: Orphanet 154, Orphanet 75249, MedGen C3714995, MONDO:0014100, OMIM 615248.

Allele frequency attached by ClinVar (database versions not stated): ExAC 0.00004; gnomAD 0.00004 and 0.00005; TOPMed 0.00005; gnomAD exomes 0.00008 and 0.00017.
gnomAD v4.1: 54 of 1,614,008 alleles (0.0033%); highest among the groups gnomAD compares: Admixed American, 0.087%; 2 homozygotes.

Submissions (5):

PreventionGenetics, part of Exact Sciences
Classification: Likely benign for MYPN-related condition. Last evaluated: 2026-03-03. Review status: criteria provided, single submitter. Criteria: ACMG Guidelines, 2015. Collection method: clinical testing. Allele origin: germline.
Comment: This variant is classified as likely benign based on ACMG/AMP sequence variant interpretation guidelines (Richards et al. 2015 PMID: 25741868, with internal and published modifications).

Labcorp Genetics (formerly Invitae), Labcorp
Classification: Likely benign for Dilated cardiomyopathy 1KK. Last evaluated: 2025-10-21. Review status: criteria provided, single submitter. Criteria: Invitae Variant Classification Sherloc (09022015). Collection method: clinical testing. Allele origin: germline.

Ambry Genetics
Classification: Likely benign for Cardiovascular phenotype. Last evaluated: 2018-12-11. Review status: criteria provided, single submitter. Criteria: Ambry Variant Classification Scheme 2023. Collection method: clinical testing. Allele origin: germline.

ClinVar Staff, National Center for Biotechnology Information (NCBI)
Classification: Uncertain significance for Dilated cardiomyopathy 1KK. Last evaluated: 2013-06-27. Review status: no assertion criteria provided. Collection method: literature only. Allele origin: germline. Affected: yes. Not counted in ClinVar's aggregate classification.

Leiden Muscular Dystrophy (MYPN)
No classification provided. Last evaluated: 2012-04-27. Review status: no classification provided. Collection method: curation. Allele origin: germline. Not counted in ClinVar's aggregate classification.

Literature cited by the submitters: PubMed 22286171 (cited by Ambry Genetics and ClinVar Staff, National Center for Biotechnology Information (NCBI)).